The following is an entry in ClinVar:

ClinVar aggregate classification (germline): Uncertain significance (1 of 4 stars; one submission).

Submission:

Labcorp Genetics (formerly Invitae), Labcorp
Classification: Uncertain significance. Last evaluated: 2024-01-12. Review status: criteria provided, single submitter. Criteria: Invitae Variant Classification Sherloc (09022015). Collection method: clinical testing. Allele origin: germline.
Comment: This sequence change replaces proline, which is neutral and non-polar, with arginine, which is basic and polar, at codon 39 of the SOX11 protein (p.Pro39Arg). This variant is not present in population databases (gnomAD no frequency). This variant has not been reported in the literature in individuals affected with SOX11-related conditions. An algorithm developed to predict the effect of missense changes on protein structure and function (PolyPhen-2) suggests that this variant is likely to be disruptive. In summary, the available evidence is currently insufficient to determine the role of this variant in disease. Therefore, it has been classified as a Variant of Uncertain Significance.

NM_003108.4(SOX11):c.116C>G (p.Pro39Arg)

Gene: SOX11 (SRY-box transcription factor 11; plus strand). Cytogenetic location: 2p25.2.
Variant type: single nucleotide variant.
Coding change: c.116C>G on transcript NM_003108.4 (MANE Select); coding-DNA position 116, C replaced by G.
Protein change: p.Pro39Arg; replaces proline 39 with arginine.
Molecular consequence: missense variant.
Genome position (GRCh38, 1-based): chr2:5,692,837, C>G. VCF-style: chr2-5692837-C-G. GRCh37 (hg19) VCF-style: chr2-5832969-C-G.
Other names: short protein forms P39R.
Identifiers: ClinVar variation 2709108 (VCV002709108.3), dbSNP rs2465087360, ClinGen allele CA345865966.